The following is an entry in ClinVar:

NM_152416.4(NDUFAF6):c.-5G>T

Genes: NDUFAF6 (NADH:ubiquinone oxidoreductase complex assembly factor 6; plus strand), LOC113788297 (Sharpr-MPRA regulatory region 2014; plus strand). Cytogenetic location: 8q22.1.
Variant type: single nucleotide variant.
Coding change: c.-5G>T on transcript NM_152416.4 (MANE Select); 5 bases upstream of the start codon, G replaced by T.
Molecular consequence: 5 prime UTR variant. On other transcripts: non-coding transcript variant (6), intron variant (7).
Genome position (GRCh38, 1-based): chr8:95,025,004, G>T. VCF-style: chr8-95025004-G-T. GRCh37 (hg19) VCF-style: chr8-96037232-G-T.
Other names: c.-285G>T (NM_001330582.2, NM_001354521.2); c.-238G>T (NM_001354517.2); c.-457G>T (NM_001354518.2); c.-453G>T (NM_001354519.2); c.-802G>T (NM_001354527.2); c.-773G>T (NM_001354528.2); c.-585G>T (NM_001354529.2); c.-687G>T (NM_001354530.2); and 8 more.
Identifiers: ClinVar variation 516153 (VCV000516153.7), dbSNP rs532058076, ClinGen allele CA4814654.

ClinVar aggregate classification (germline): Conflicting classifications of pathogenicity. Review status: criteria provided, conflicting classifications (1 of 4 stars). 4 submissions from 4 submitters: Uncertain significance (1); Likely benign (3). Last evaluated 2025-03-12.

Allele frequency attached by ClinVar (database versions not stated): gnomAD exomes 0.00005; TOPMed 0.00006; gnomAD 0.00008 and 0.00013; 1000 Genomes Project 30x 0.00016; 1000 Genomes Project 0.00020; ExAC 0.00039.
gnomAD v4.1: 125 of 1,341,990 alleles (0.0093%); highest among the groups gnomAD compares: Middle Eastern, 0.37%; no homozygotes.

Submissions (4):

Women's Health and Genetics/Laboratory Corporation of America, LabCorp
Classification: Uncertain significance. Last evaluated: 2025-03-12. Review status: criteria provided, single submitter. Criteria: LabCorp Variant Classification Summary - May 2015. Collection method: clinical testing. Allele origin: germline.
Comment: Variant summary: NDUFAF6 c.-5G>T is located in the untranslated mRNA region upstream of the initiation codon. The variant allele was found at a frequency of 5.2e-05 in 19194 control chromosomes. The available data on variant occurrences in the general population are insufficient to allow any conclusion about variant significance. To our knowledge, no occurrence of c.-5G>T in individuals affected with Mitochondrial Complex 1 Deficiency, Nuclear Type 17 and no experimental evidence demonstrating its impact on protein function have been reported. ClinVar contains an entry for this variant (Variation ID: 516153). Based on the evidence outlined above, the variant was classified as uncertain significance.

Blueprint Genetics
Classification: Likely benign. Last evaluated: 2024-04-22. Review status: criteria provided, single submitter. Criteria: ACMG Guidelines, 2015. Collection method: clinical testing. Allele origin: germline.

GeneDx
Classification: Likely benign. Last evaluated: 2018-05-03. Review status: criteria provided, single submitter. Criteria: GeneDx Variant Classification Process June 2021. Collection method: clinical testing. Allele origin: germline. Affected: yes.

Breakthrough Genomics
Classification: Likely benign. Review status: criteria provided, single submitter. Criteria: ACMG Guidelines, 2015. Collection method: not provided. Allele origin: germline. Inheritance: Autosomal recessive inheritance. Affected: yes.